The following is an entry in ClinVar:

NM_018082.6(POLR3B):c.986G>A (p.Arg329Gln)

Gene: POLR3B (RNA polymerase III subunit B; plus strand). Cytogenetic location: 12q23.3.
Variant type: single nucleotide variant.
Coding change: c.986G>A on transcript NM_018082.6 (MANE Select); coding-DNA position 986, G replaced by A.
Protein change: p.Arg329Gln; replaces arginine 329 with glutamine.
Molecular consequence: missense variant.
Genome position (GRCh38, 1-based): chr12:106,410,845, G>A. VCF-style: chr12-106410845-G-A. GRCh37 (hg19) VCF-style: chr12-106804623-G-A.
Other names: NM_001160708.2:c.812G>A; c.986G>A (NM_018082.5); c.812G>A, p.Arg271Gln (NM_001160708.2); short protein forms R329Q, R271Q.
Identifiers: ClinVar variation 2412739 (VCV002412739.4), dbSNP rs1337382297, ClinGen allele CA386387229.
Genomic context (GRCh38, chr12:106,410,845, plus strand): 5'-GTCCATTTTCTCAAAATTTTTCTCCAATTTCTGACTTACAGGTTAAGGAATTCAATTTCC[G>A]AGCCAAATGTATCTATACTGCAGTGATGGTGCGAAGAGTTATTCTGGCCCAAGGAGATAA-3'
Protein context (NP_060552.4, residues 319-339): THVPVKEFNF[Arg329Gln]AKCIYTAVMV

ClinVar aggregate classification (germline): Conflicting classifications of pathogenicity. Review status: criteria provided, conflicting classifications (1 of 4 stars). 3 submissions from 3 submitters: Likely pathogenic (1); Uncertain significance (1). 1 of the submissions does not count toward it. Last evaluated 2023-04-07.

Conditions:
Leukodystrophy, hypomyelinating, 8, with or without oligodontia and/or hypogonadotropic hypogonadism. Also called: Endosteal sclerosis-cerebellar hypoplasia syndrome; Hypomyelinating leukodystrophy 8 with or without oligodontia and-or hypogonadotropic hypogonadism; LEUKODYSTROPHY, HYPOMYELINATING, 8, WITH HYPODONTIA AND HYPOGONADOTROPIC HYPOGONADISM. Identifiers: Orphanet 85186, Orphanet 88637, MedGen C3280644, MONDO:0013722, OMIM 614381.
POLR3B-related disorder. Also called: POLR3B-related condition; POLR3B-related disorders. Identifiers: MedGen CN378588, MONDO:0700277.

Allele frequency attached by ClinVar (database versions not stated): gnomAD 0.00001; gnomAD exomes 0.00001; TOPMed 0.00001.
gnomAD v4.1: 12 of 1,613,578 alleles (0.00074%); highest among the groups gnomAD compares: South Asian, 0.0011%; no homozygotes.

Submissions (3):

Baylor Genetics
Classification: Likely pathogenic for Leukodystrophy, hypomyelinating, 8, with or without oligodontia and/or hypogonadotropic hypogonadism. Last evaluated: 2023-04-07. Review status: criteria provided, single submitter. Criteria: ACMG Guidelines, 2015. Collection method: clinical testing. Allele origin: unknown.

Broad Center for Mendelian Genomics, Broad Institute of MIT and Harvard
Classification: Uncertain significance for Leukodystrophy, hypomyelinating, 8, with or without oligodontia and/or hypogonadotropic hypogonadism. Last evaluated: 2022-02-24. Review status: criteria provided, single submitter. Criteria: ACMG Guidelines, 2015. Collection method: curation. Allele origin: germline. Inheritance: Autosomal recessive inheritance.
Comment: The p.Arg329Gln variant in POLR3B has been reported in 1 individual in the compound heterozygous state with 4H leukodystrophy (PMID: 25131622) and has been identified in 0.0009% (1/113512) of European (non-Finnish) chromosomes by the Genome Aggregation Database (gnomAD; dbSNP ID:rs1337382297). Although this variant has been seen in the general population in a heterozygous state, its frequency is low enough to be consistent with a recessive carrier frequency. Computational prediction tools and conservation analyses do not provide strong support for or against an impact to the protein. The number of missense variants reported in POLR3B in the general population is lower than expected, suggesting there is little benign variation in this gene and slightly increasing the possibility that a missense variant in this gene may not be tolerated. In summary, the clinical significance of the p.Arg329Gln variant is uncertain. ACMG/AMP Criteria applied: PM2_supporting, PM3_supporting, PP2 (Richards 2015).

PreventionGenetics, part of Exact Sciences
Classification: Likely pathogenic for POLR3B-related condition. Last evaluated: 2024-07-12. Review status: no assertion criteria provided. Collection method: clinical testing. Allele origin: germline. Not counted in ClinVar's aggregate classification.
Comment: The POLR3B c.986G>A variant is predicted to result in the amino acid substitution p.Arg329Gln. This variant has been reported in the compound heterozygous state in patients with POLR3B related autosomal recessive disease (Srivastava et al. 2014. PubMed ID: 25131622; PreventionGenetics internal data). This variant is reported in 0.00088% of alleles in individuals of European (Non-Finnish) descent in gnomAD. This variant is interpreted as likely pathogenic.